The following is an entry in ClinVar:

ClinVar aggregate classification (germline): Uncertain significance (1 of 4 stars; one submission).

Submission:

GeneDx
Classification: Uncertain significance. Last evaluated: 2026-01-22. Review status: criteria provided, single submitter. Criteria: GeneDx Variant Classification Process June 2021. Collection method: clinical testing. Allele origin: germline.
Comment: De novo variant with confirmed parentage in a patient in published literature from a cohort of individuals with developmental disorders; however, this individual harbored additional de novo variants and detailed clinical information was not provided (PMID: 33057194); Not observed at significant frequency in large population cohorts (gnomAD); In silico analysis suggests that this missense variant does not alter protein structure/function; This variant is associated with the following publications: (PMID: 35982159, 33057194)

NM_207037.2(TCF12):c.715A>G (p.Ser239Gly)

Gene: TCF12 (transcription factor 12; plus strand). Cytogenetic location: 15q21.3.
Variant type: single nucleotide variant.
Coding change: c.715A>G on transcript NM_207037.2 (MANE Select); coding-DNA position 715, A replaced by G.
Protein change: p.Ser239Gly; replaces serine 239 with glycine.
Molecular consequence: missense variant. On other transcripts: intron variant (1).
Genome position (GRCh38, 1-based): chr15:57,232,320, A>G. VCF-style: chr15-57232320-A-G. GRCh37 (hg19) VCF-style: chr15-57524518-A-G.
Other names: c.205A>G, p.Ser69Gly (NM_001306219.3, NM_207040.2); c.715A>G, p.Ser239Gly (NM_001322151.2, NM_001322152.2, NM_001322157.3 and 7 more transcripts); c.58A>G, p.Ser20Gly (NM_001322154.2); c.541A>G, p.Ser181Gly (NM_001322156.2, NM_001322158.2); c.751A>G, p.Ser251Gly (NM_001322164.2); c.118-392A>G (NM_001306220.3); short protein forms S181G, S20G, S239G, S251G, S69G.
Identifiers: ClinVar variation 4891387 (VCV004891387.1).